The following is an entry in ClinVar:

NM_004098.4(EMX2):c.161CCG[5] (p.Ala59del)

Genes: EMX2 (empty spiracles homeobox 2; plus strand), EMX2OS (EMX2 opposite strand/antisense RNA; minus strand). Cytogenetic location: 10q26.11.
Variant type: Microsatellite.
Coding change: c.161CCG[5] on transcript NM_004098.4 (MANE Select); five copies in a row of the 3-base unit CCG starting at c.161; the reference has six copies in a row; one copy, 3 bases deleted.
Protein change: p.Ala59del; deletes alanine 59.
Molecular consequence: inframe deletion.
Genome position (GRCh38, 1-based): chr10:117,543,443-117,543,445, CCG deleted; deleting any 3 consecutive bases within chr10:117,543,427-117,543,445 gives the same sequence; the position shown is the placement nearest the transcript's 3' end. VCF-style (leftmost placement, unchanged base first): chr10-117543426-GGCC-G. GRCh37 (hg19) VCF-style: chr10-119302937-GGCC-G.
Other names: c.161CCG[5], p.Ala59del (NM_001165924.2); c.176_178delCCG (NM_004098.3); short protein forms A59del.
Identifiers: ClinVar variation 1711265 (VCV001711265.31), dbSNP rs756693906, ClinGen allele CA5711385.
Genomic context (GRCh38, chr10:117,543,426, plus strand): 5'-CGCGGCACTCAGCTACGCTAACTCCAGCCCCATAAATCCGTTCCTCAACGGCTTCCACTC[GGCC>G]GCCGCCGCCGCCGCCGGTAGGGGCGTCTACTCCAACCCGGACTTGGTGTTCGCCGAGGCG-3'

ClinVar aggregate classification (germline): Likely benign. Review status: criteria provided, multiple submitters, no conflicts (2 of 4 stars). 2 submissions from 2 submitters: Likely benign (2). Last evaluated 2026-02-20.

Conditions:
EMX2-related disorder. Also called: EMX2-related condition.

Submissions (2):

PreventionGenetics, part of Exact Sciences
Classification: Likely benign for EMX2-related condition. Last evaluated: 2026-02-20. Review status: criteria provided, single submitter. Criteria: ACMG Guidelines, 2015. Collection method: clinical testing. Allele origin: germline.
Comment: This variant is classified as likely benign based on ACMG/AMP sequence variant interpretation guidelines (Richards et al. 2015 PMID: 25741868, with internal and published modifications).

CeGaT Center for Human Genetics Tuebingen
Classification: Likely benign. Last evaluated: 2022-09-01. Review status: criteria provided, single submitter. Criteria: CeGaT Center For Human Genetics Tuebingen Variant Classification Criteria Version 2. Collection method: clinical testing. Allele origin: germline. Affected: yes. Observed: 1 variant allele.
Comment: EMX2: PM4:Supporting, BS1